The following is an entry in ClinVar:

ClinVar aggregate classification (germline): Conflicting classifications of pathogenicity. Review status: criteria provided, conflicting classifications (1 of 4 stars). 3 submissions from 3 submitters: Uncertain significance (1); Likely benign (1). 1 of the submissions does not count toward it. Last evaluated 2026-01-26.

Conditions:
Inborn genetic diseases. Identifiers: MedGen C0950123, MeSH D030342.
XYLT2-related disorder. Also called: XYLT2-related condition.

Allele frequency attached by ClinVar (database versions not stated): ESP Exome Variant Server 0.00015; gnomAD 0.00023; gnomAD exomes 0.00035 and 0.00021; TOPMed 0.00022; ExAC 0.00027.
gnomAD v4.1: 360 of 1,606,822 alleles (0.022%); highest among the groups gnomAD compares: Middle Eastern, 0.05%; no homozygotes.

Submissions (3):

Labcorp Genetics (formerly Invitae), Labcorp
Classification: Likely benign. Last evaluated: 2026-01-26. Review status: criteria provided, single submitter. Criteria: Invitae Variant Classification Sherloc (09022015). Collection method: clinical testing. Allele origin: germline.

Ambry Genetics
Classification: Uncertain significance for Inborn genetic diseases. Last evaluated: 2023-12-28. Review status: criteria provided, single submitter. Criteria: Ambry Variant Classification Scheme 2023. Collection method: clinical testing. Allele origin: germline.

PreventionGenetics, part of Exact Sciences
Classification: Likely benign for XYLT2-related condition. Last evaluated: 2019-07-30. Review status: no assertion criteria provided. Collection method: clinical testing. Allele origin: germline. Not counted in ClinVar's aggregate classification.
Comment: This variant is classified as likely benign based on ACMG/AMP sequence variant interpretation guidelines (Richards et al. 2015 PMID: 25741868, with internal and published modifications).

NM_022167.4(XYLT2):c.448G>A (p.Ala150Thr)

Gene: XYLT2 (xylosyltransferase 2; plus strand). Cytogenetic location: 17q21.33.
Variant type: single nucleotide variant.
Coding change: c.448G>A on transcript NM_022167.4 (MANE Select); coding-DNA position 448, G replaced by A.
Protein change: p.Ala150Thr; replaces alanine 150 with threonine.
Molecular consequence: missense variant.
Genome position (GRCh38, 1-based): chr17:50,353,942, G>A. VCF-style: chr17-50353942-G-A. GRCh37 (hg19) VCF-style: chr17-48431303-G-A.
Other names: c.448G>A (NM_022167.2); short protein forms A150T.
Identifiers: ClinVar variation 1589157 (VCV001589157.11), dbSNP rs144474638, ClinGen allele CA8646167.